The following is an entry in ClinVar:

ClinVar aggregate classification (germline): Benign (1 of 4 stars; one submission).

Allele frequency attached by ClinVar (database versions not stated): gnomAD exomes 0.00018; 1000 Genomes Project 30x 0.00484; 1000 Genomes Project 0.00519.
gnomAD v4.1: 287 of 398,576 alleles (0.072%); highest among the groups gnomAD compares: African/African-American, 0.54%; no homozygotes.

Submission:

CeGaT Center for Human Genetics Tuebingen
Classification: Benign. Last evaluated: 2024-07-01. Review status: criteria provided, single submitter. Criteria: CeGaT Center For Human Genetics Tuebingen Variant Classification Criteria Version 2. Collection method: clinical testing. Allele origin: germline. Affected: yes. Observed: 1 variant allele.
Comment: KCNQ1OT1: BS1, BS2

NM_000218.3(KCNQ1):c.1514+28809G>A

Genes: KCNQ1 (potassium voltage-gated channel subfamily Q member 1; plus strand), KCNQ1OT1 (KCNQ1 opposite strand/antisense transcript 1; minus strand). Cytogenetic location: 11p15.5.
Variant type: single nucleotide variant.
Coding change: c.1514+28809G>A on transcript NM_000218.3 (MANE Select); 28809 bases into the intron after coding-DNA position 1514, G replaced by A.
Molecular consequence: intron variant. On other transcripts: non-coding transcript variant (1).
Genome position (GRCh38, 1-based): chr11:2,690,890, G>A. VCF-style: chr11-2690890-G-A. GRCh37 (hg19) VCF-style: chr11-2712120-G-A.
Other names: c.1244+28809G>A (NM_001406837.1); c.1418+28809G>A (NM_001406836.1); c.974+28809G>A (NM_001406838.1); c.1133+28809G>A (NM_181798.2).
Identifiers: ClinVar variation 3250916 (VCV003250916.18), dbSNP rs112187347.